The following is an entry in ClinVar:

ClinVar aggregate classification (germline): Uncertain significance. Review status: criteria provided, multiple submitters, no conflicts (2 of 4 stars). 2 submissions from 2 submitters: Uncertain significance (2). Last evaluated 2025-01-24.

Conditions:
Early-infantile DEE. Also called: Early infantile epileptic encephalopathy; Early infantile epileptic encephalopathy with suppression bursts; Ohtahara syndrome. Identifiers: Orphanet 1934, MedGen C0393706, MONDO:0800491.

Allele frequency attached by ClinVar (database versions not stated): gnomAD 0.00001; gnomAD exomes 0.00001; TOPMed below 0.00001; ExAC 0.00002.
gnomAD v4.1: 4 of 1,613,850 alleles (0.00025%); highest among the groups gnomAD compares: Non-Finnish European, 0.00025%; no homozygotes.

Submissions (2):

GeneDx
Classification: Uncertain significance. Last evaluated: 2025-01-24. Review status: criteria provided, single submitter. Criteria: GeneDx Variant Classification Process June 2021. Collection method: clinical testing. Allele origin: germline. Affected: yes.
Comment: Not observed at significant frequency in large population cohorts (gnomAD); In silico analysis supports that this missense variant has a deleterious effect on protein structure/function; Has not been previously published as pathogenic or benign to our knowledge; This substitution is predicted to be within the cytoplasmic loop between the first and second homologous domains

Labcorp Genetics (formerly Invitae), Labcorp
Classification: Uncertain significance for Early-infantile DEE. Last evaluated: 2022-09-13. Review status: criteria provided, single submitter. Criteria: Invitae Variant Classification Sherloc (09022015). Collection method: clinical testing. Allele origin: germline.
Comment: In summary, the available evidence is currently insufficient to determine the role of this variant in disease. Therefore, it has been classified as a Variant of Uncertain Significance. Algorithms developed to predict the effect of sequence changes on RNA splicing suggest that this variant may create or strengthen a splice site. Advanced modeling of protein sequence and biophysical properties (such as structural, functional, and spatial information, amino acid conservation, physicochemical variation, residue mobility, and thermodynamic stability) has been performed at Invitae for this missense variant, however the output from this modeling did not meet the statistical confidence thresholds required to predict the impact of this variant on SCN1A protein function. ClinVar contains an entry for this variant (Variation ID: 1493822). This variant has not been reported in the literature in individuals affected with SCN1A-related conditions. This variant is present in population databases (rs763445773, gnomAD 0.003%). This sequence change replaces methionine, which is neutral and non-polar, with arginine, which is basic and polar, at codon 701 of the SCN1A protein (p.Met701Arg).

NM_001165963.4(SCN1A):c.2102T>G (p.Met701Arg)

Gene: SCN1A (sodium voltage-gated channel alpha subunit 1; minus strand). Cytogenetic location: 2q24.3.
Variant type: single nucleotide variant.
Coding change: c.2102T>G on transcript NM_001165963.4 (MANE Select); coding-DNA position 2102, T replaced by G.
Protein change: p.Met701Arg; replaces methionine 701 with arginine.
Molecular consequence: missense variant. On other transcripts: 5 prime UTR variant (1), non-coding transcript variant (1).
Genome position (GRCh38, 1-based): chr2:166,042,366, A>C on the plus strand (T>G on the coding strand, the complement: SCN1A is on the minus strand). VCF-style: chr2-166042366-A-C. GRCh37 (hg19) VCF-style: chr2-166898876-A-C.
Other names: c.2018T>G, p.Met673Arg (NM_001165964.3, NM_001353957.2, NM_001353958.2); c.2102T>G, p.Met701Arg (NM_001202435.3, NM_001353948.2); c.2069T>G, p.Met690Arg (NM_001353949.2, NM_001353950.2, NM_001353951.2 and 2 more transcripts); c.2066T>G, p.Met689Arg (NM_001353954.2, NM_001353955.2); c.2015T>G, p.Met672Arg (NM_001353960.2); c.-357T>G (NM_001353961.2); c.2102T>G (NM_001165963.1); short protein forms M673R, M690R, M701R, M689R, M672R.
Identifiers: ClinVar variation 1493822 (VCV001493822.10), dbSNP rs763445773, ClinGen allele CA1943189.